The following is an entry in ClinVar:

NM_001104631.2(PDE4D):c.1433T>C (p.Leu478Ser)

Gene: PDE4D (phosphodiesterase 4D; minus strand). Cytogenetic location: 5q11.2.
Variant type: single nucleotide variant.
Coding change: c.1433T>C on transcript NM_001104631.2 (MANE Select); coding-DNA position 1433, T replaced by C.
Protein change: p.Leu478Ser; replaces leucine 478 with serine.
Molecular consequence: missense variant.
Genome position (GRCh38, 1-based): chr5:58,989,774, A>G on the plus strand (T>C on the coding strand, the complement: PDE4D is on the minus strand). VCF-style: chr5-58989774-A-G. GRCh37 (hg19) VCF-style: chr5-58285601-A-G.
Other names: c.1220T>C, p.Leu407Ser (NM_001349241.2); c.1103T>C, p.Leu368Ser (NM_001349242.2); c.665T>C, p.Leu222Ser (NM_001349243.2, NM_001364604.1); c.1250T>C, p.Leu417Ser (NM_001364599.1, NM_001165899.2); c.527T>C, p.Leu176Ser (NM_001364603.1, NM_001197221.2); c.1025T>C, p.Leu342Ser (NM_006203.5); c.1043T>C, p.Leu348Ser (NM_001197220.2); c.761T>C, p.Leu254Ser (NM_001197222.2); and 3 more; short protein forms L176S, L187S, L222S, L254S, L342S, L348S, L356S, L368S.
Identifiers: ClinVar variation 4822952 (VCV004822952.4).

ClinVar aggregate classification (germline): Uncertain significance (1 of 4 stars; one submission).

Submission:

CeGaT Center for Human Genetics Tuebingen
Classification: Uncertain significance. Last evaluated: 2026-01-01. Review status: criteria provided, single submitter. Criteria: CeGaT Center For Human Genetics Tuebingen Variant Classification Criteria Version 2. Collection method: clinical testing. Allele origin: germline. Affected: yes. Observed: 1 variant allele.
Comment: PDE4D: PM2, PP2, PP3